The following is an entry in ClinVar:

ClinVar aggregate classification (germline): Pathogenic. Review status: criteria provided, multiple submitters, no conflicts (2 of 4 stars). 3 submissions from 3 submitters: Pathogenic (3). Last evaluated 2026-01-19.

Conditions:
Familial cancer of breast. Also called: BREAST CANCER, FAMILIAL; hereditary breast carcinoma; Hereditary breast cancer. Identifiers: Orphanet 227535, MedGen C0346153, MONDO:0016419, OMIM 114480. Disease mechanism: loss of function.
Hereditary cancer-predisposing syndrome. Also called: Neoplastic Syndromes, Hereditary; Tumor predisposition; Hereditary Cancer Syndrome; Hereditary neoplastic syndrome. Identifiers: Orphanet 140162, MedGen C0027672, MeSH D009386, MONDO:0015356.

Submissions (3):

Labcorp Genetics (formerly Invitae), Labcorp
Classification: Pathogenic for Familial cancer of breast. Last evaluated: 2026-01-19. Review status: criteria provided, single submitter. Criteria: Invitae Variant Classification Sherloc (09022015). Collection method: clinical testing. Allele origin: germline.
Comment: This sequence change creates a premature translational stop signal (p.Ala198Leufs*14) in the BARD1 gene. It is expected to result in an absent or disrupted protein product. Loss-of-function variants in BARD1 are known to be pathogenic (PMID: 20077502, 21344236). This variant is not present in population databases (gnomAD no frequency). This premature translational stop signal has been observed in individual(s) with personal and/or family history of breast cancer (PMID: 29752822). ClinVar contains an entry for this variant (Variation ID: 233965). For these reasons, this variant has been classified as Pathogenic.

Color Diagnostics, LLC DBA Color Health
Classification: Pathogenic for Hereditary cancer-predisposing syndrome. Last evaluated: 2021-07-14. Review status: criteria provided, single submitter. Criteria: ACMG Guidelines, 2015. Collection method: clinical testing. Allele origin: germline.
Comment: This variant deletes 1 nucleotide in exon 4 of the BARD1 gene, creating a frameshift and premature translation stop signal. This variant is expected to result in an absent or non-functional protein product. This variant has been reported in an individual affected with breast cancer (PMID: 29752822). This variant has not been identified in the general population by the Genome Aggregation Database (gnomAD). Loss of BARD1 function is a known mechanism of disease. Based on the available evidence, this variant is classified as Pathogenic.

Ambry Genetics
Classification: Pathogenic for Hereditary cancer-predisposing syndrome. Last evaluated: 2019-12-05. Review status: criteria provided, single submitter. Criteria: Ambry Variant Classification Scheme 2023. Collection method: clinical testing. Allele origin: germline.
Comment: The c.592delG pathogenic mutation, located in coding exon 4 of the BARD1 gene, results from a deletion of one nucleotide at nucleotide position 592, causing a translational frameshift with a predicted alternate stop codon (p.A198Lfs*14). In addition to the clinical data presented in the literature, this alteration is expected to result in loss of function by premature protein truncation or nonsense-mediated mRNA decay. As such, this alteration is interpreted as a disease-causing mutation.

Literature cited by the submitters: PubMed 20077502 (cited by Labcorp Genetics (formerly Invitae), Labcorp); PubMed 21344236 (cited by Labcorp Genetics (formerly Invitae), Labcorp); PubMed 29752822 (cited by Labcorp Genetics (formerly Invitae), Labcorp and Ambry Genetics).

NM_000465.4(BARD1):c.592del (p.Ala198fs)

Gene: BARD1 (BRCA1 associated RING domain 1; minus strand). Cytogenetic location: 2q35.
Variant type: Deletion.
Coding change: c.592del on transcript NM_000465.4 (MANE Select); coding-DNA position 592, one base deleted (G; older notation c.592delG).
Protein change: p.Ala198fs; shifts the reading frame from alanine 198.
Molecular consequence: frameshift variant. On other transcripts: non-coding transcript variant (2), intron variant (3).
Genome position (GRCh38, 1-based): chr2:214,781,282, C deleted on the plus strand (G on the coding strand, the reverse complement: BARD1 is on the minus strand); the first of 2 consecutive C bases (chr2:214,781,282-214,781,283); deleting either gives the same sequence. VCF-style (leftmost placement, unchanged base first): chr2-214781281-GC-G. GRCh37 (hg19) VCF-style: chr2-215646005-GC-G.
Other names: c.535del, p.Ala179fs (NM_001282543.2); c.158+28130del (NM_001282548.2); c.215+15779del (NM_001282545.2); c.364+11015del (NM_001282549.2); short protein forms A179fs, A198fs.
Identifiers: ClinVar variation 233965 (VCV000233965.9), dbSNP rs876660761, ClinGen allele CA10577844.